The following is an entry in ClinVar:

NM_006031.6(PCNT):c.5479G>A (p.Ala1827Thr)

Gene: PCNT (pericentrin; plus strand). Cytogenetic location: 21q22.3.
Variant type: single nucleotide variant.
Coding change: c.5479G>A on transcript NM_006031.6 (MANE Select); coding-DNA position 5479, G replaced by A.
Protein change: p.Ala1827Thr; replaces alanine 1827 with threonine.
Molecular consequence: missense variant.
Genome position (GRCh38, 1-based): chr21:46,411,552, G>A. VCF-style: chr21-46411552-G-A. GRCh37 (hg19) VCF-style: chr21-47831466-G-A.
Other names: c.5125G>A, p.Ala1709Thr (NM_001315529.2); c.5479G>A (NM_006031.5); short protein forms A1709T, A1827T.
Identifiers: ClinVar variation 2078033 (VCV002078033.4), dbSNP rs563470468, ClinGen allele CA10079995.

ClinVar aggregate classification (germline): Uncertain significance. Review status: criteria provided, multiple submitters, no conflicts (2 of 4 stars). 3 submissions from 3 submitters: Uncertain significance (2). 1 of the submissions does not count toward it. Last evaluated 2023-03-13.

Conditions:
PCNT-related disorder. Also called: PCNT-related condition.
Inborn genetic diseases. Identifiers: MedGen C0950123, MeSH D030342.

Allele frequency attached by ClinVar (database versions not stated): gnomAD 0.00012; 1000 Genomes Project 30x 0.00016; 1000 Genomes Project 0.00020.
gnomAD v4.1: 275 of 1,612,212 alleles (0.017%); highest among the groups gnomAD compares: South Asian, 0.18%; no homozygotes.

Submissions (3):

Ambry Genetics
Classification: Uncertain significance for Inborn genetic diseases. Last evaluated: 2023-03-13. Review status: criteria provided, single submitter. Criteria: Ambry Variant Classification Scheme 2023. Collection method: clinical testing. Allele origin: germline.

Labcorp Genetics (formerly Invitae), Labcorp
Classification: Uncertain significance. Last evaluated: 2021-12-23. Review status: criteria provided, single submitter. Criteria: Invitae Variant Classification Sherloc (09022015). Collection method: clinical testing. Allele origin: germline.
Comment: This sequence change replaces alanine, which is neutral and non-polar, with threonine, which is neutral and polar, at codon 1827 of the PCNT protein (p.Ala1827Thr). This variant is present in population databases (rs563470468, gnomAD 0.2%). This variant has not been reported in the literature in individuals affected with PCNT-related conditions. Algorithms developed to predict the effect of missense changes on protein structure and function output the following: SIFT: "Tolerated"; PolyPhen-2: "Benign"; Align-GVGD: "Class C0". The threonine amino acid residue is found in multiple mammalian species, which suggests that this missense change does not adversely affect protein function. In summary, the available evidence is currently insufficient to determine the role of this variant in disease. Therefore, it has been classified as a Variant of Uncertain Significance.

PreventionGenetics, part of Exact Sciences
Classification: Likely benign for PCNT-related condition. Last evaluated: 2022-05-11. Review status: no assertion criteria provided. Collection method: clinical testing. Allele origin: germline. Not counted in ClinVar's aggregate classification.
Comment: This variant is classified as likely benign based on ACMG/AMP sequence variant interpretation guidelines (Richards et al. 2015 PMID: 25741868, with internal and published modifications).